The following is an entry in ClinVar:

NM_001379200.1(TBX1):c.667G>A (p.Asp223Asn)

Gene: TBX1 (T-box transcription factor 1; plus strand). Cytogenetic location: 22q11.21.
Variant type: single nucleotide variant.
Coding change: c.667G>A on transcript NM_001379200.1 (MANE Select); coding-DNA position 667, G replaced by A.
Protein change: p.Asp223Asn; replaces aspartic acid 223 with asparagine.
Molecular consequence: missense variant.
Genome position (GRCh38, 1-based): chr22:19,764,282, G>A. VCF-style: chr22-19764282-G-A. GRCh37 (hg19) VCF-style: chr22-19751805-G-A.
Other names: c.640G>A, p.Asp214Asn (NM_005992.1, NM_080646.2, NM_080647.1); short protein forms D214N, D223N.
Identifiers: ClinVar variation 1307526 (VCV001307526.7), dbSNP rs2145834053, ClinGen allele CA410683080.
Genomic context (GRCh38, chr22:19,764,282, plus strand): 5'-CACTACCACCCGGACTCGCCTGCCAAGGGCGCGCAGTGGATGAAGCAAATCGTGTCCTTC[G>A]ACAAGCTCAAGCTGACCAACAACCTACTGGACGACAACGGCCACGTGAGCGACTGCCTCC-3'
Protein context (NP_001366129.1, residues 213-233): AQWMKQIVSF[Asp223Asn]KLKLTNNLLD

ClinVar aggregate classification (germline): Uncertain significance. Review status: criteria provided, multiple submitters, no conflicts (2 of 4 stars). 3 submissions from 3 submitters: Uncertain significance (3). Last evaluated 2024-11-20.

Conditions:
DiGeorge syndrome. Also called: THIRD AND FOURTH PHARYNGEAL POUCH SYNDROME; Catch22. Identifiers: Orphanet 567, MedGen C0012236, MONDO:0008564, OMIM 188400.
TBX1-related disorder. Also called: TBX1-Related Disorders; TBX1-related condition.

Submissions (3):

PreventionGenetics, part of Exact Sciences
Classification: Uncertain significance for TBX1-related condition. Last evaluated: 2024-11-20. Review status: criteria provided, single submitter. Criteria: ACMG Guidelines, 2015. Collection method: clinical testing. Allele origin: germline.
Comment: The TBX1 c.640G>A variant is predicted to result in the amino acid substitution p.Asp214Asn. To our knowledge, this variant has not been reported in the literature or in a large population database (gnomAD), indicating this variant is rare. At this time, the clinical significance of this variant is uncertain due to the absence of conclusive functional and genetic evidence.

Labcorp Genetics (formerly Invitae), Labcorp
Classification: Uncertain significance for DiGeorge syndrome. Last evaluated: 2022-07-17. Review status: criteria provided, single submitter. Criteria: Invitae Variant Classification Sherloc (09022015). Collection method: clinical testing. Allele origin: germline.
Comment: This sequence change replaces aspartic acid, which is acidic and polar, with asparagine, which is neutral and polar, at codon 214 of the TBX1 protein (p.Asp214Asn). This variant is not present in population databases (gnomAD no frequency). This variant has not been reported in the literature in individuals affected with TBX1-related conditions. ClinVar contains an entry for this variant (Variation ID: 1307526). Algorithms developed to predict the effect of missense changes on protein structure and function are either unavailable or do not agree on the potential impact of this missense change (SIFT: "Deleterious"; PolyPhen-2: "Probably Damaging"; Align-GVGD: "Class C15"). In summary, the available evidence is currently insufficient to determine the role of this variant in disease. Therefore, it has been classified as a Variant of Uncertain Significance.

GeneDx
Classification: Uncertain significance. Last evaluated: 2020-12-01. Review status: criteria provided, single submitter. Criteria: GeneDx Variant Classification Process June 2021. Collection method: clinical testing. Allele origin: germline. Affected: yes.
Comment: Not observed in large population cohorts (Lek et al., 2016); In silico analysis, which includes protein predictors and evolutionary conservation, supports a deleterious effect; Has not been previously published as pathogenic or benign to our knowledge